The following is an entry in ClinVar:

NM_000428.3(LTBP2):c.476C>T (p.Pro159Leu)

Gene: LTBP2 (latent transforming growth factor beta binding protein 2; minus strand). Cytogenetic location: 14q24.3.
Variant type: single nucleotide variant.
Coding change: c.476C>T on transcript NM_000428.3 (MANE Select); coding-DNA position 476, C replaced by T.
Protein change: p.Pro159Leu; replaces proline 159 with leucine.
Molecular consequence: missense variant.
Genome position (GRCh38, 1-based): chr14:74,611,469, G>A on the plus strand (C>T on the coding strand, the complement: LTBP2 is on the minus strand). VCF-style: chr14-74611469-G-A. GRCh37 (hg19) VCF-style: chr14-75078172-G-A.
Other names: short protein forms P159L.
Identifiers: ClinVar variation 1505358 (VCV001505358.6), dbSNP rs201089990, ClinGen allele CA7270193.

ClinVar aggregate classification (germline): Uncertain significance (1 of 4 stars; one submission).

Allele frequency attached by ClinVar (database versions not stated): gnomAD exomes 0.00002 and 0.00003; ExAC 0.00003; TOPMed 0.00005; gnomAD 0.00006 and 0.00007; 1000 Genomes Project 30x 0.00031; 1000 Genomes Project 0.00040.
gnomAD v4.1: 53 of 1,493,490 alleles (0.0035%); highest among the groups gnomAD compares: Non-Finnish European, 0.0044%; no homozygotes.

Submission:

Labcorp Genetics (formerly Invitae), Labcorp
Classification: Uncertain significance. Last evaluated: 2023-06-18. Review status: criteria provided, single submitter. Criteria: Invitae Variant Classification Sherloc (09022015). Collection method: clinical testing. Allele origin: germline.
Comment: ClinVar contains an entry for this variant (Variation ID: 1505358). This variant has not been reported in the literature in individuals affected with LTBP2-related conditions. This variant is present in population databases (rs201089990, gnomAD 0.004%). This sequence change replaces proline, which is neutral and non-polar, with leucine, which is neutral and non-polar, at codon 159 of the LTBP2 protein (p.Pro159Leu). An algorithm developed to predict the effect of missense changes on protein structure and function (PolyPhen-2) suggests that this variant¬†is likely to be tolerated. In summary, the available evidence is currently insufficient to determine the role of this variant in disease. Therefore, it has been classified as a Variant of Uncertain Significance.